The following is an entry in ClinVar:

ClinVar aggregate classification (germline): Uncertain significance (1 of 4 stars; one submission).

Conditions:
Spastic paraplegia. Identifiers: MedGen C0037772, HP:0001258.

Submission:

Labcorp Genetics (formerly Invitae), Labcorp
Classification: Uncertain significance for Spastic paraplegia. Last evaluated: 2022-02-04. Review status: criteria provided, single submitter. Criteria: Invitae Variant Classification Sherloc (09022015). Collection method: clinical testing. Allele origin: germline.
Comment: In summary, the available evidence is currently insufficient to determine the role of this variant in disease. Therefore, it has been classified as a Variant of Uncertain Significance. Advanced modeling of protein sequence and biophysical properties (such as structural, functional, and spatial information, amino acid conservation, physicochemical variation, residue mobility, and thermodynamic stability) performed at Invitae indicates that this missense variant is not expected to disrupt SLC16A2 protein function. This variant has not been reported in the literature in individuals affected with SLC16A2-related conditions. This variant is not present in population databases (gnomAD no frequency). This sequence change replaces proline, which is neutral and non-polar, with alanine, which is neutral and non-polar, at codon 43 of the SLC16A2 protein (p.Pro43Ala).

NM_006517.5(SLC16A2):c.127C>G (p.Pro43Ala)

Gene: SLC16A2 (solute carrier family 16 member 2; plus strand). Cytogenetic location: Xq13.2.
Variant type: single nucleotide variant.
Coding change: c.127C>G on transcript NM_006517.5 (MANE Select); coding-DNA position 127, C replaced by G.
Protein change: p.Pro43Ala; replaces proline 43 with alanine.
Molecular consequence: missense variant.
Genome position (GRCh38, 1-based): chrX:74,421,764, C>G. VCF-style: chrX-74421764-C-G. GRCh37 (hg19) VCF-style: chrX-73641599-C-G.
Other names: short protein forms P43A.
Identifiers: ClinVar variation 1953014 (VCV001953014.5), dbSNP rs2519759284, ClinGen allele CA413655834.
Genomic context (GRCh38, chrX:74,421,764, plus strand): 5'-CAGGAGCCGGTGGGTAGCCCAGAGCCGGAGTCTGAGCCGGAGCCTGAGCCCGAGCCCGAG[C>G]CCGTGCCAGTGCCCCCGCCCGAGCCCCAGCCGGAGCCCCAGCCCCTACCGGACCCCGCAC-3'
Protein context (NP_006508.2, residues 33-53): SEPEPEPEPE[Pro43Ala]VPVPPPEPQP